The following is an entry in ClinVar:

NM_058195.4(CDKN2A):c.194-3684G>A

Gene: CDKN2A (cyclin dependent kinase inhibitor 2A; minus strand). Cytogenetic location: 9p21.3.
Variant type: single nucleotide variant.
Coding change: c.194-3684G>A on transcript NM_058195.4 (MANE Plus Clinical); 3684 bases into the intron before coding-DNA position 194, G replaced by A.
Molecular consequence: intron variant.
Genome position (GRCh38, 1-based): chr9:21,974,892, C>T on the plus strand (G>A on the coding strand, the complement: CDKN2A is on the minus strand). VCF-style: chr9-21974892-C-T. GRCh37 (hg19) VCF-style: chr9-21974891-C-T.
Other names: c.-65G>A (NM_000077.6); c.-3-3684G>A (NM_001363763.2).
Identifiers: ClinVar variation 3045539 (VCV003045539.2), dbSNP rs888151485, ClinGen allele CA190733241.

ClinVar aggregate classification (germline): Likely benign (0 of 4 stars; one submission).

Conditions:
CDKN2A-related disorder. Also called: CDKN2A-related condition.

Allele frequency attached by ClinVar (database versions not stated): TOPMed 0.00001.
gnomAD v4.1: 5 of 1,461,414 alleles (0.00034%); no homozygotes.

Submission:

PreventionGenetics, part of Exact Sciences
Classification: Likely benign for CDKN2A-related condition. Last evaluated: 2019-10-10. Review status: no assertion criteria provided. Collection method: clinical testing. Allele origin: germline.
Comment: This variant is classified as likely benign based on ACMG/AMP sequence variant interpretation guidelines (Richards et al. 2015 PMID: 25741868, with internal and published modifications).